The following is an entry in ClinVar:

ClinVar aggregate classification (germline): Uncertain significance. Review status: criteria provided, multiple submitters, no conflicts (2 of 4 stars). 2 submissions from 2 submitters: Uncertain significance (2). Last evaluated 2024-04-29.

Conditions:
Epileptic encephalopathy. Identifiers: MedGen C0543888, HP:0200134.

Allele frequency attached by ClinVar (database versions not stated): gnomAD exomes below 0.00001 and 0.00001; TOPMed 0.00003; gnomAD 0.00005 and 0.00006.
gnomAD v4.1: 12 of 1,613,818 alleles (0.00074%); highest among the groups gnomAD compares: Admixed American, 0.015%; no homozygotes.

Submissions (2):

Labcorp Genetics (formerly Invitae), Labcorp
Classification: Uncertain significance for Epileptic encephalopathy. Last evaluated: 2024-04-29. Review status: criteria provided, single submitter. Criteria: Invitae Variant Classification Sherloc (09022015). Collection method: clinical testing. Allele origin: germline.
Comment: This sequence change replaces glycine, which is neutral and non-polar, with arginine, which is basic and polar, at codon 4222 of the RYR3 protein (p.Gly4222Arg). This variant is present in population databases (no rsID available, gnomAD 0.003%). This variant has not been reported in the literature in individuals affected with RYR3-related conditions. ClinVar contains an entry for this variant (Variation ID: 580633). Advanced modeling of protein sequence and biophysical properties (such as structural, functional, and spatial information, amino acid conservation, physicochemical variation, residue mobility, and thermodynamic stability) performed at Invitae indicates that this missense variant is not expected to disrupt RYR3 protein function with a negative predictive value of 80%. In summary, the available evidence is currently insufficient to determine the role of this variant in disease. Therefore, it has been classified as a Variant of Uncertain Significance.

Ambry Genetics
Classification: Uncertain significance. Last evaluated: 2021-10-06. Review status: criteria provided, single submitter. Criteria: Ambry Variant Classification Scheme 2023. Collection method: clinical testing. Allele origin: germline.

NM_001036.6(RYR3):c.12664G>A (p.Gly4222Arg)

Gene: RYR3 (ryanodine receptor 3; plus strand). Cytogenetic location: 15q14.
Variant type: single nucleotide variant.
Coding change: c.12664G>A on transcript NM_001036.6 (MANE Select); coding-DNA position 12664, G replaced by A.
Protein change: p.Gly4222Arg; replaces glycine 4222 with arginine.
Molecular consequence: missense variant.
Genome position (GRCh38, 1-based): chr15:33,838,644, G>A. VCF-style: chr15-33838644-G-A. GRCh37 (hg19) VCF-style: chr15-34130845-G-A.
Other names: c.12649G>A, p.Gly4217Arg (NM_001243996.4); c.12664G>A (NM_001036.3); short protein forms G4222R, G4217R.
Identifiers: ClinVar variation 580633 (VCV000580633.9), dbSNP rs892836302, ClinGen allele CA268593160.